The following is an entry in ClinVar:

ClinVar aggregate classification (germline): Uncertain significance (1 of 4 stars; one submission).

Conditions:
Autosomal dominant epilepsy with auditory features. Identifiers: Orphanet 101046, MedGen C1838062, MONDO:0010898.

Submission:

Labcorp Genetics (formerly Invitae), Labcorp
Classification: Uncertain significance for Autosomal dominant epilepsy with auditory features. Last evaluated: 2019-04-02. Review status: criteria provided, single submitter. Criteria: Invitae Variant Classification Sherloc (09022015). Collection method: clinical testing. Allele origin: germline.
Comment: This variant has not been reported in the literature in individuals with LGI1-related conditions. In summary, the available evidence is currently insufficient to determine the role of this variant in disease. Therefore, it has been classified as a Variant of Uncertain Significance. Algorithms developed to predict the effect of missense changes on protein structure and function (SIFT, PolyPhen-2, Align-GVGD) all suggest that this variant is likely to be tolerated, but these predictions have not been confirmed by published functional studies and their clinical significance is uncertain. This variant is not present in population databases (ExAC no frequency). This sequence change replaces lysine with asparagine at codon 208 of the LGI1 protein (p.Lys208Asn). The lysine residue is moderately conserved and there is a moderate physicochemical difference between lysine and asparagine.

NM_005097.4(LGI1):c.624G>T (p.Lys208Asn)

Gene: LGI1 (leucine rich glioma inactivated 1; plus strand). Cytogenetic location: 10q23.33.
Variant type: single nucleotide variant.
Coding change: c.624G>T on transcript NM_005097.4 (MANE Select); coding-DNA position 624, G replaced by T.
Protein change: p.Lys208Asn; replaces lysine 208 with asparagine.
Molecular consequence: missense variant. On other transcripts: non-coding transcript variant (1).
Genome position (GRCh38, 1-based): chr10:93,792,863, G>T. VCF-style: chr10-93792863-G-T. GRCh37 (hg19) VCF-style: chr10-95552620-G-T.
Other names: c.624G>T, p.Lys208Asn (NM_001308275.2); c.480G>T, p.Lys160Asn (NM_001308276.2); short protein forms K208N, K160N.
Identifiers: ClinVar variation 854309 (VCV000854309.11), dbSNP rs2059948178, ClinGen allele CA377623624.